The following is an entry in ClinVar:

ClinVar aggregate classification (germline): Uncertain significance. Review status: criteria provided, multiple submitters, no conflicts (2 of 4 stars). 2 submissions from 2 submitters: Uncertain significance (2). Last evaluated 2025-08-27.

Conditions:
Familial adenomatous polyposis 2. Also called: Adenomas, multiple colorectal; MYH-associated polyposis; COLORECTAL ADENOMATOUS POLYPOSIS, AUTOSOMAL RECESSIVE; ADENOMAS, MULTIPLE COLORECTAL, AUTOSOMAL RECESSIVE; FAP type 2; MUTYH Polyposis. Identifiers: Orphanet 220460, Orphanet 247798, MedGen C3272841, MONDO:0012041, OMIM 608456.
Hereditary cancer-predisposing syndrome. Also called: Tumor predisposition; Neoplastic Syndromes, Hereditary; Hereditary Cancer Syndrome; Hereditary neoplastic syndrome. Identifiers: Orphanet 140162, MedGen C0027672, MeSH D009386, MONDO:0015356.

Submissions (2):

Ambry Genetics
Classification: Uncertain significance for Hereditary cancer-predisposing syndrome. Last evaluated: 2025-08-27. Review status: criteria provided, single submitter. Criteria: Ambry Variant Classification Scheme 2023. Collection method: clinical testing. Allele origin: germline.
Comment: The p.A333G variant (also known as c.998C>G) is located in coding exon 12 of the MUTYH gene. The alanine at codon 333 is replaced by glycine, an amino acid with similar properties. This change occurs in the first base pair of coding exon 12. This amino acid position is conserved. In addition, this alteration is predicted to be tolerated by in silico analysis. Based on the available evidence, the clinical significance of this variant remains unclear.

Labcorp Genetics (formerly Invitae), Labcorp
Classification: Uncertain significance for Familial adenomatous polyposis 2. Last evaluated: 2021-09-20. Review status: criteria provided, single submitter. Criteria: Invitae Variant Classification Sherloc (09022015). Collection method: clinical testing. Allele origin: germline.
Comment: This sequence change replaces alanine with glycine at codon 333 of the MUTYH protein (p.Ala333Gly). The alanine residue is moderately conserved and there is a small physicochemical difference between alanine and glycine. This variant is not present in population databases (ExAC no frequency). This variant has not been reported in the literature in individuals affected with MUTYH-related conditions. Algorithms developed to predict the effect of missense changes on protein structure and function (SIFT, PolyPhen-2, Align-GVGD) all suggest that this variant is likely to be tolerated. In summary, the available evidence is currently insufficient to determine the role of this variant in disease. Therefore, it has been classified as a Variant of Uncertain Significance.

NM_001048174.2(MUTYH):c.914C>G (p.Ala305Gly)

Gene: MUTYH (mutY DNA glycosylase; minus strand). Cytogenetic location: 1p34.1.
Variant type: single nucleotide variant.
Coding change: c.914C>G on transcript NM_001048174.2 (MANE Select); coding-DNA position 914, C replaced by G.
Protein change: p.Ala305Gly; replaces alanine 305 with glycine.
Molecular consequence: missense variant. On other transcripts: non-coding transcript variant (2).
Genome position (GRCh38, 1-based): chr1:45,331,849, G>C on the plus strand (C>G on the coding strand, the complement: MUTYH is on the minus strand). VCF-style: chr1-45331849-G-C. GRCh37 (hg19) VCF-style: chr1-45797521-G-C.
Other names: c.914C>G, p.Ala305Gly (NM_001048171.2, NM_001048173.2, NM_001293195.2); c.917C>G, p.Ala306Gly (NM_001048172.2); c.998C>G, p.Ala333Gly (NM_001128425.2); c.959C>G, p.Ala320Gly (NM_001293190.2); c.947C>G, p.Ala316Gly (NM_001293191.2); c.638C>G, p.Ala213Gly (NM_001293192.2, NM_001293196.2); c.569C>G, p.Ala190Gly (NM_001350650.2, NM_001350651.2); c.989C>G, p.Ala330Gly (NM_012222.3); and 1 more; short protein forms A305G, A320G, A333G, A306G, A213G, A330G, A190G, A316G.
Identifiers: ClinVar variation 1388892 (VCV001388892.7), dbSNP rs1374768333, ClinGen allele CA340133941.